The following is an entry in ClinVar:

NM_000264.5(PTCH1):c.2472del (p.Ser825fs)

Genes: PTCH1 (patched 1; minus strand), LOC100507346 (uncharacterized LOC100507346; plus strand). Cytogenetic location: 9q22.32.
Variant type: Deletion.
Coding change: c.2472del on transcript NM_000264.5 (MANE Select); coding-DNA position 2472, one base deleted (G; older notation c.2472delG).
Protein change: p.Ser825fs; shifts the reading frame from serine 825.
Molecular consequence: frameshift variant. On other transcripts: non-coding transcript variant (2).
Genome position (GRCh38, 1-based): chr9:95,467,204, C deleted on the plus strand (G on the coding strand, the reverse complement: PTCH1 is on the minus strand); the first of 2 consecutive C bases (chr9:95,467,204-95,467,205); deleting either gives the same sequence. VCF-style (leftmost placement, unchanged base first): chr9-95467203-TC-T. GRCh37 (hg19) VCF-style: chr9-98229485-TC-T.
Other names: c.2469del, p.Ser824fs (NM_001083603.3); c.2019del, p.Ser674fs (NM_001083604.3, NM_001083605.3, NM_001083606.3 and 1 more transcripts); c.2316del, p.Ser773fs (NM_001354918.2); c.2274del, p.Ser759fs (NM_001083602.3); short protein forms S824fs, S759fs, S773fs, S674fs, S825fs.
Identifiers: ClinVar variation 3640530 (VCV003640530.2).

ClinVar aggregate classification (germline): Pathogenic (1 of 4 stars; one submission).

Conditions:
Gorlin syndrome. Also called: Nevoid Basal Cell Carcinoma Syndrome; Basal cell nevus syndrome. Identifiers: Orphanet 377, MedGen C0004779, MONDO:0007187.

Submission:

Labcorp Genetics (formerly Invitae), Labcorp
Classification: Pathogenic for Gorlin syndrome. Last evaluated: 2024-02-14. Review status: criteria provided, single submitter. Criteria: Invitae Variant Classification Sherloc (09022015). Collection method: clinical testing. Allele origin: germline.
Comment: This sequence change creates a premature translational stop signal (p.Ser825Valfs*5) in the PTCH1 gene. It is expected to result in an absent or disrupted protein product. Loss-of-function variants in PTCH1 are known to be pathogenic (PMID: 16301862, 16419085). This variant is not present in population databases (gnomAD no frequency). This variant has not been reported in the literature in individuals affected with PTCH1-related conditions. For these reasons, this variant has been classified as Pathogenic.

Literature cited by the submitters: PubMed 16301862; PubMed 16419085.